The following is an entry in ClinVar:

ClinVar aggregate classification (germline): Pathogenic (1 of 4 stars; one submission).

Conditions:
DICER1-related tumor predisposition. Also called: DICER1-related pleuropulmonary blastoma cancer predisposition syndrome; DICER1 syndrome. Identifiers: Orphanet 284343, MedGen C3839822, MONDO:0100216.

Submission:

Foulkes Cancer Genetics LDI, Lady Davis Institute for Medical Research
Classification: Pathogenic for Pleuropulmonary blastoma. Last evaluated: 2019-07-01. Review status: criteria provided, single submitter. Criteria: ACMG Guidelines, 2015. Collection method: curation. Allele origin: germline. Affected: yes. Observed: 1 variant allele.
Comment: ACMG criteria met: PVS1, PM2, PP4

Literature cited by the submitters: PubMed 24481001.

NM_177438.3(DICER1):c.745del (p.Gln249fs)

Gene: DICER1 (dicer 1, ribonuclease III; minus strand). Cytogenetic location: 14q32.13.
Variant type: Deletion.
Coding change: c.745del on transcript NM_177438.3 (MANE Select); coding-DNA position 745, one base deleted (C; older notation c.745delC).
Protein change: p.Gln249fs; shifts the reading frame from glutamine 249.
Molecular consequence: frameshift variant.
Genome position (GRCh38, 1-based): chr14:95,126,738, G deleted on the plus strand (C on the coding strand, the reverse complement: DICER1 is on the minus strand). VCF-style (leftmost placement, unchanged base first): chr14-95126737-TG-T. GRCh37 (hg19) VCF-style: chr14-95593074-TG-T.
Other names: c.745del, p.Gln249fs (NM_001195573.1, NM_001271282.3, NM_001291628.2 and 1 more transcripts); short protein forms Q249fs.
Identifiers: ClinVar variation 933000 (VCV000933000.3), dbSNP rs1893496450, ClinGen allele CA1139663733.
Genomic context (GRCh38, chr14:95,126,737, plus strand): 5'-CTTTCATAAAGCCCACTTCTGTCAGTAAATGGTCCACAATCCACCACAATCTCACATGGC[TG>T]AGAAGTATACCTTTAACATAAGAAACAAAAGGTATCAATACTGCAGTAGTGAGAATGCAA-3'